The following is an entry in ClinVar:

NM_001377.3(DYNC2H1):c.7495C>G (p.Leu2499Val)

Gene: DYNC2H1 (dynein cytoplasmic 2 heavy chain 1; plus strand). Cytogenetic location: 11q22.3.
Variant type: single nucleotide variant.
Coding change: c.7495C>G on transcript NM_001377.3 (MANE Select); coding-DNA position 7495, C replaced by G.
Protein change: p.Leu2499Val; replaces leucine 2499 with valine.
Molecular consequence: missense variant.
Genome position (GRCh38, 1-based): chr11:103,191,574, C>G. VCF-style: chr11-103191574-C-G. GRCh37 (hg19) VCF-style: chr11-103062303-C-G.
Other names: c.7495C>G, p.Leu2499Val (NM_001080463.2); short protein forms L2499V.
Identifiers: ClinVar variation 238274 (VCV000238274.8), dbSNP rs878854167, ClinGen allele CA10582779.

ClinVar aggregate classification (germline): Uncertain significance (1 of 4 stars; one submission).

Conditions:
Jeune thoracic dystrophy. Also called: Jeune syndrome; Infantile thoracic dystrophy; Thoracic pelvic phalangeal dystrophy; Jeune's syndrome; Chondroectodermal dysplasia-like syndrome; Short-rib thoracic dysplasia. Identifiers: Orphanet 474, MedGen C0265275, MONDO:0018770.

Submission:

Labcorp Genetics (formerly Invitae), Labcorp
Classification: Uncertain significance for Jeune thoracic dystrophy. Last evaluated: 2018-05-10. Review status: criteria provided, single submitter. Criteria: Invitae Variant Classification Sherloc (09022015). Collection method: clinical testing. Allele origin: germline.
Comment: This variant is not present in population databases (ExAC no frequency). This finding is consistent with autosomal recessive inheritance, and suggests that this variant contributes to disease. ClinVar contains an entry for this variant (Variation ID: 238274). Algorithms developed to predict the effect of missense changes on protein structure and function (SIFT, PolyPhen-2, Align-GVGD) all suggest that this variant is likely to be disruptive, but these predictions have not been confirmed by published functional studies and their clinical significance is uncertain. In summary, the available evidence is currently insufficient to determine the role of this variant in disease. Therefore, it has been classified as a Variant of Uncertain Significance. This sequence change replaces leucine with valine at codon 2499 of the DYNC2H1 protein (p.Leu2499Val). The leucine residue is highly conserved and there is a small physicochemical difference between leucine and valine.